The following is an entry in ClinVar:

ClinVar aggregate classification (germline): Conflicting classifications of pathogenicity. Review status: criteria provided, conflicting classifications (1 of 4 stars). 4 submissions from 4 submitters: Uncertain significance (1); Likely benign (3). Last evaluated 2025-06-08.

Conditions:
ADGRV1-related disorder. Also called: ADGRV1-related condition; ADGRV1-related disorders.

Allele frequency attached by ClinVar (database versions not stated): gnomAD exomes 0.00002 and 0.00005; ExAC 0.00004; gnomAD 0.00004.
gnomAD v4.1: 42 of 1,613,804 alleles (0.0026%); highest among the groups gnomAD compares: Admixed American, 0.02%; no homozygotes.

Submissions (4):

Labcorp Genetics (formerly Invitae), Labcorp
Classification: Likely benign. Last evaluated: 2025-06-08. Review status: criteria provided, single submitter. Criteria: Invitae Variant Classification Sherloc (09022015). Collection method: clinical testing. Allele origin: germline.

PreventionGenetics, part of Exact Sciences
Classification: Likely benign for ADGRV1-related condition. Last evaluated: 2025-01-11. Review status: criteria provided, single submitter. Criteria: ACMG Guidelines, 2015. Collection method: clinical testing. Allele origin: germline.
Comment: This variant is classified as likely benign based on ACMG/AMP sequence variant interpretation guidelines (Richards et al. 2015 PMID: 25741868, with internal and published modifications).

Blueprint Genetics
Classification: Likely benign. Last evaluated: 2023-12-18. Review status: criteria provided, single submitter. Criteria: ACMG Guidelines, 2015. Collection method: clinical testing. Allele origin: germline.

Eurofins Ntd Llc (ga)
Classification: Uncertain significance. Last evaluated: 2016-09-06. Review status: criteria provided, single submitter. Criteria: EGL Classification Definitions 2015. Collection method: clinical testing. Allele origin: germline. Observed: 1 variant allele, 1 heterozygote.

NM_032119.4(ADGRV1):c.3819G>A (p.Arg1273=)

Gene: ADGRV1 (adhesion G protein-coupled receptor V1; plus strand). Cytogenetic location: 5q14.3.
Variant type: single nucleotide variant.
Coding change: c.3819G>A on transcript NM_032119.4 (MANE Select); coding-DNA position 3819, G replaced by A.
Protein change: p.Arg1273=; no amino-acid change (arginine 1273 retained).
Molecular consequence: synonymous variant. On other transcripts: non-coding transcript variant (1).
Genome position (GRCh38, 1-based): chr5:90,653,393, G>A. VCF-style: chr5-90653393-G-A. GRCh37 (hg19) VCF-style: chr5-89949210-G-A.
Other names: c.3819G>A (NM_032119.3).
Identifiers: ClinVar variation 290791 (VCV000290791.16), dbSNP rs764738838, ClinGen allele CA3339245.
Genomic context (GRCh38, chr5:90,653,393, plus strand): 5'-GGCAGAAGATGTCCTGTCTGAAGATGATATGTCTTATATTACCAACTTCACCATTTTGAG[G>A]CAGCAGGGTGTGTTTGGTGATGTACAACTGGGCTGGGAAATACTGTCCAGTGAGTTCCCT-3'
Protein context (NP_115495.3, residues 1263-1283): MSYITNFTIL[Arg1273=]QQGVFGDVQL